The following is an entry in ClinVar:

ClinVar aggregate classification (germline): Uncertain significance (1 of 4 stars; one submission).

Allele frequency attached by ClinVar (database versions not stated): gnomAD exomes 0.00001.
gnomAD v4.1: 8 of 1,614,064 alleles (0.0005%); highest among the groups gnomAD compares: Admixed American, 0.0017%; no homozygotes.

Submission:

CeGaT Center for Human Genetics Tuebingen
Classification: Uncertain significance. Last evaluated: 2023-01-01. Review status: criteria provided, single submitter. Criteria: CeGaT Center For Human Genetics Tuebingen Variant Classification Criteria Version 2. Collection method: clinical testing. Allele origin: germline. Affected: yes. Observed: 1 variant allele.
Comment: CNOT1: PP2

NM_016284.5(CNOT1):c.6164C>T (p.Thr2055Met)

Gene: CNOT1 (CCR4-NOT transcription complex subunit 1; minus strand). Cytogenetic location: 16q21.
Variant type: single nucleotide variant.
Coding change: c.6164C>T on transcript NM_016284.5 (MANE Select); coding-DNA position 6164, C replaced by T.
Protein change: p.Thr2055Met; replaces threonine 2055 with methionine.
Molecular consequence: missense variant. On other transcripts: non-coding transcript variant (1).
Genome position (GRCh38, 1-based): chr16:58,531,971, G>A on the plus strand (C>T on the coding strand, the complement: CNOT1 is on the minus strand). VCF-style: chr16-58531971-G-A. GRCh37 (hg19) VCF-style: chr16-58565875-G-A.
Other names: c.6149C>T, p.Thr2050Met (NM_001265612.2); short protein forms T2050M, T2055M.
Identifiers: ClinVar variation 2646573 (VCV002646573.24), dbSNP rs1394701183, ClinGen allele CA396162216.